The following is an entry in ClinVar:

ClinVar aggregate classification (germline): Pathogenic (1 of 4 stars; one submission).

Conditions:
Glycogen storage disease IXa1. Also called: GLYCOGEN STORAGE DISEASE VIII; GSD VIII; Glycogen storage disease 8; LIVER GLYCOGENOSIS, X-LINKED, TYPE I. Identifiers: Orphanet 264580, MedGen C3694531, MONDO:0010598, OMIM 306000.

Submission:

Labcorp Genetics (formerly Invitae), Labcorp
Classification: Pathogenic for Glycogen storage disease IXa1. Last evaluated: 2018-08-08. Review status: criteria provided, single submitter. Criteria: Invitae Variant Classification Sherloc (09022015). Collection method: clinical testing. Allele origin: germline.
Comment: For these reasons, this variant has been classified as Pathogenic. This sequence change creates a premature translational stop signal (p.Gln516*) in the PHKA2 gene. It is expected to result in an absent or disrupted protein product. This variant is not present in population databases (ExAC no frequency). This variant has not been reported in the literature in individuals with PHKA2-related disease. Loss-of-function variants in PHKA2 are known to be pathogenic (PMID: 7711737, 10330341).

Literature cited by the submitters: PubMed 7711737; PubMed 10330341.

NM_000292.3(PHKA2):c.1546C>T (p.Gln516Ter)

Gene: PHKA2 (phosphorylase kinase regulatory subunit alpha 2; minus strand). Cytogenetic location: Xp22.13.
Variant type: single nucleotide variant.
Coding change: c.1546C>T on transcript NM_000292.3 (MANE Select); coding-DNA position 1546, C replaced by T.
Protein change: p.Gln516Ter; replaces glutamine 516 with a stop codon.
Molecular consequence: nonsense.
Genome position (GRCh38, 1-based): chrX:18,925,691, G>A on the plus strand (C>T on the coding strand, the complement: PHKA2 is on the minus strand). VCF-style: chrX-18925691-G-A. GRCh37 (hg19) VCF-style: chrX-18943809-G-A.
Other names: short protein forms Q516*.
Identifiers: ClinVar variation 649460 (VCV000649460.6), dbSNP rs1601739229, ClinGen allele CA412391859.